The following is an entry in ClinVar:

ClinVar aggregate classification (germline): Uncertain significance (1 of 4 stars; one submission).

Submission:

GeneDx
Classification: Uncertain significance. Last evaluated: 2019-07-17. Review status: criteria provided, single submitter. Criteria: GeneDx Variant Classification Process June 2021. Collection method: clinical testing. Allele origin: germline. Affected: yes.
Comment: Not observed in large population cohorts (Lek et al., 2016); In silico analysis, which includes protein predictors and evolutionary conservation, supports that this variant does not alter protein structure/function; Has not been previously published as pathogenic or benign to our knowledge

NM_000458.4(HNF1B):c.154A>C (p.Ser52Arg)

Gene: HNF1B (HNF1 homeobox B; minus strand). Cytogenetic location: 17q12.
Variant type: single nucleotide variant.
Coding change: c.154A>C on transcript NM_000458.4 (MANE Select); coding-DNA position 154, A replaced by C.
Protein change: p.Ser52Arg; replaces serine 52 with arginine.
Molecular consequence: missense variant.
Genome position (GRCh38, 1-based): chr17:37,744,731, T>G on the plus strand (A>C on the coding strand, the complement: HNF1B is on the minus strand). VCF-style: chr17-37744731-T-G. GRCh37 (hg19) VCF-style: chr17-36104722-T-G.
Other names: c.154A>C, p.Ser52Arg (NM_001165923.4, NM_001304286.2); short protein forms S52R.
Identifiers: ClinVar variation 1186750 (VCV001186750.2), dbSNP rs2147599781, ClinGen allele CA398754242.